The following is an entry in ClinVar:

NM_001005373.4(LRSAM1):c.481G>A (p.Glu161Lys)

Gene: LRSAM1 (leucine rich repeat and sterile alpha motif containing 1; plus strand). Cytogenetic location: 9q33.3.
Variant type: single nucleotide variant.
Coding change: c.481G>A on transcript NM_001005373.4 (MANE Select); coding-DNA position 481, G replaced by A.
Protein change: p.Glu161Lys; replaces glutamic acid 161 with lysine.
Molecular consequence: missense variant. On other transcripts: 5 prime UTR variant (1), non-coding transcript variant (2).
Genome position (GRCh38, 1-based): chr9:127,462,326, G>A. VCF-style: chr9-127462326-G-A. GRCh37 (hg19) VCF-style: chr9-130224605-G-A.
Other names: c.481G>A, p.Glu161Lys (NM_001005374.4, NM_001190723.3, NM_001384142.1 and 2 more transcripts); c.-304G>A (NM_001384144.1); short protein forms E161K.
Identifiers: ClinVar variation 1743346 (VCV001743346.4), dbSNP rs946372444, ClinGen allele CA199846807.
Genomic context (GRCh38, chr9:127,462,326, plus strand): 5'-GAGCTTCCAGACACCGTGGGGGAGCTTCGAAGCCTGCGTACCCTCAACATCAGTGGAAAC[G>A]AGATCCAGAGATTGCCGCAGATGCTGGCTCACGTTCGAACCCTGGAGGTAAATGGGAAGC-3'
Protein context (NP_001005373.1, residues 151-171): SLRTLNISGN[Glu161Lys]IQRLPQMLAH

ClinVar aggregate classification (germline): Uncertain significance. Review status: criteria provided, multiple submitters, no conflicts (2 of 4 stars). 2 submissions from 2 submitters: Uncertain significance (2). Last evaluated 2024-08-28.

Conditions:
Inborn genetic diseases. Identifiers: MedGen C0950123, MeSH D030342.
Charcot-Marie-Tooth disease axonal type 2P. Also called: Charcot-Marie-Tooth Neuropathy Type 2G; CHARCOT-MARIE-TOOTH NEUROPATHY, TYPE 2P; CHARCOT-MARIE-TOOTH DISEASE, AXONAL, TYPE 2G; CMT 2G. Identifiers: Orphanet 300319, Orphanet 99941, MedGen C3280797, MONDO:0013753, OMIM 614436.

Allele frequency attached by ClinVar (database versions not stated): TOPMed below 0.00001; gnomAD 0.00001; gnomAD exomes 0.00002.
gnomAD v4.1: 25 of 1,613,986 alleles (0.0015%); highest among the groups gnomAD compares: Non-Finnish European, 0.002%; no homozygotes.

Submissions (2):

Labcorp Genetics (formerly Invitae), Labcorp
Classification: Uncertain significance for Charcot-Marie-Tooth disease axonal type 2P. Last evaluated: 2024-08-28. Review status: criteria provided, single submitter. Criteria: Invitae Variant Classification Sherloc (09022015). Collection method: clinical testing. Allele origin: germline.
Comment: This sequence change replaces glutamic acid, which is acidic and polar, with lysine, which is basic and polar, at codon 161 of the LRSAM1 protein (p.Glu161Lys). This variant is present in population databases (no rsID available, gnomAD 0.003%). This variant has not been reported in the literature in individuals affected with LRSAM1-related conditions. ClinVar contains an entry for this variant (Variation ID: 1743346). Invitae Evidence Modeling of protein sequence and biophysical properties (such as structural, functional, and spatial information, amino acid conservation, physicochemical variation, residue mobility, and thermodynamic stability) indicates that this missense variant is not expected to disrupt LRSAM1 protein function with a negative predictive value of 80%. In summary, the available evidence is currently insufficient to determine the role of this variant in disease. Therefore, it has been classified as a Variant of Uncertain Significance.

Ambry Genetics
Classification: Uncertain significance for Inborn genetic diseases. Last evaluated: 2022-03-01. Review status: criteria provided, single submitter. Criteria: Ambry Variant Classification Scheme 2023. Collection method: clinical testing. Allele origin: germline.
Comment: The p.E161K variant (also known as c.481G>A), located in coding exon 7 of the LRSAM1 gene, results from a G to A substitution at nucleotide position 481. The glutamic acid at codon 161 is replaced by lysine, an amino acid with similar properties. This amino acid position is conserved. In addition, this alteration is predicted to be tolerated by in silico analysis. Since supporting evidence is limited at this time, the clinical significance of this alteration remains unclear.